The following is an entry in ClinVar:

NM_001267550.2(TTN):c.79636A>G (p.Thr26546Ala)

Genes: TTN (titin; minus strand), TTN-AS1 (TTN antisense RNA 1; plus strand). Cytogenetic location: 2q31.2.
Variant type: single nucleotide variant.
Coding change: c.79636A>G on transcript NM_001267550.2 (MANE Select); coding-DNA position 79636, A replaced by G.
Protein change: p.Thr26546Ala; replaces threonine 26546 with alanine.
Molecular consequence: missense variant.
Genome position (GRCh38, 1-based): chr2:178,566,496, T>C on the plus strand (A>G on the coding strand, the complement: TTN is on the minus strand). VCF-style: chr2-178566496-T-C. GRCh37 (hg19) VCF-style: chr2-179431223-T-C.
Other names: c.74713A>G, p.Thr24905Ala (NM_001256850.1); c.52441A>G, p.Thr17481Ala (NM_003319.4); c.71932A>G, p.Thr23978Ala (NM_133378.4); c.52816A>G, p.Thr17606Ala (NM_133432.3); c.53017A>G, p.Thr17673Ala (NM_133437.4); c.79636A>G (NM_001267550.1); short protein forms T23978A, T26546A, T17606A, T17481A, T17673A, T24905A.
Identifiers: ClinVar variation 282545 (VCV000282545.11), dbSNP rs775053902, ClinGen allele CA1989449.

ClinVar aggregate classification (germline): Uncertain significance. Review status: criteria provided, multiple submitters, no conflicts (2 of 4 stars). 5 submissions from 5 submitters: Uncertain significance (5). Last evaluated 2025-09-05.

Conditions:
Autosomal recessive limb-girdle muscular dystrophy type 2J (LGMDR10). Also called: MUSCULAR DYSTROPHY, LIMB-GIRDLE, AUTOSOMAL RECESSIVE 10; Limb-girdle muscular dystrophy, type 2J. Identifiers: Orphanet 140922, MedGen C1837342, MONDO:0012127, OMIM 608807.
Dilated cardiomyopathy 1G (CMD1G). Identifiers: Orphanet 154, MedGen C1858763, MONDO:0011400, OMIM 604145.
TTN-related disorder. Also called: TTN-related condition; TTN-related disease; TTN-related disorders.

Allele frequency attached by ClinVar (database versions not stated): ExAC 0.00001; gnomAD 0.00001; TOPMed 0.00001; gnomAD exomes 0.00002 and 0.00006.
gnomAD v4.1: 88 of 1,613,400 alleles (0.0055%); highest among the groups gnomAD compares: Non-Finnish European, 0.0071%; no homozygotes.

Submissions (5):

PreventionGenetics, part of Exact Sciences
Classification: Uncertain significance for TTN-related condition. Last evaluated: 2025-09-05. Review status: criteria provided, single submitter. Criteria: ACMG Guidelines, 2015. Collection method: clinical testing. Allele origin: germline.
Comment: The TTN c.79636A>G variant is predicted to result in the amino acid substitution p.Thr26546Ala. This variant has been reported as a variant of uncertain significance in an individual with dilated cardiomyopathy (Supp. Table S3, Mazzarotto et al. 2020. PubMed ID: 31983221). This variant is reported in 0.0045% of alleles in individuals of European (Non-Finnish) descent in gnomAD. At this time, the clinical significance of this variant is uncertain due to the absence of conclusive functional and genetic evidence.

Women's Health and Genetics/Laboratory Corporation of America, LabCorp
Classification: Uncertain significance. Last evaluated: 2021-04-08. Review status: criteria provided, single submitter. Criteria: LabCorp Variant Classification Summary - May 2015. Collection method: clinical testing. Allele origin: germline.
Comment: Variant summary: TTN c.71932A>G (p.Thr23978Ala) results in a non-conservative amino acid change located in the A-band region of the encoded protein sequence. Three of five in-silico tools predict a damaging effect of the variant on protein function. The variant allele was found at a frequency of 2.4e-05 in 248370 control chromosomes. The available data on variant occurrences in the general population are insufficient to allow any conclusion about variant significance. c.71932A>G has been reported in the literature in at-least one individual affected with Dilated Cardiomyopathy (example, Mazzarotto_2020). These report(s) do not provide unequivocal conclusions about association of the variant with Dilated Cardiomyopathy. To our knowledge, no experimental evidence demonstrating an impact on protein function has been reported. Two clinical diagnostic laboratories have submitted clinical-significance assessments for this variant to ClinVar after 2014 without evidence for independent evaluation. All laboratories classified the variant as uncertain significance. Based on the evidence outlined above, the variant was classified as uncertain significance.

Athena Diagnostics
Classification: Uncertain significance. Last evaluated: 2020-11-06. Review status: criteria provided, single submitter. Criteria: Athena Diagnostics criteria. Collection method: clinical testing. Allele origin: unknown.

Labcorp Genetics (formerly Invitae), Labcorp
Classification: Uncertain significance for Dilated cardiomyopathy 1G; Autosomal recessive limb-girdle muscular dystrophy type 2J. Last evaluated: 2017-02-06. Review status: criteria provided, single submitter. Criteria: Invitae Variant Classification Sherloc (09022015). Collection method: clinical testing. Allele origin: germline.

Eurofins Ntd Llc (ga)
Classification: Uncertain significance. Last evaluated: 2015-08-14. Review status: criteria provided, single submitter. Criteria: EGL Classification Definitions 2015. Collection method: clinical testing. Allele origin: germline. Observed: 1 variant allele, 1 heterozygote.

Literature cited by the submitters: PubMed 31983221 (cited by Women's Health and Genetics/Laboratory Corporation of America, LabCorp).